The following is an entry in ClinVar:

ClinVar aggregate classification (germline): Uncertain significance. Review status: criteria provided, multiple submitters, no conflicts (2 of 4 stars). 2 submissions from 2 submitters: Uncertain significance (2). Last evaluated 2025-09-06.

Conditions:
Developmental and epileptic encephalopathy, 54. Also called: HNRNPU-Related Neurodevelopmental Disorder; Epileptic encephalopathy, early infantile, 54. Identifiers: MedGen C4479319, MONDO:0033363, OMIM 617391.

Submissions (2):

GeneDx
Classification: Uncertain significance. Last evaluated: 2025-09-06. Review status: criteria provided, single submitter. Criteria: GeneDx Variant Classification Process June 2021. Collection method: clinical testing. Allele origin: germline. Affected: yes.
Comment: Not observed at significant frequency in large population cohorts (gnomAD); In silico analysis supports that this missense variant has a deleterious effect on protein structure/function; Has not been previously published as pathogenic or benign to our knowledge

Labcorp Genetics (formerly Invitae), Labcorp
Classification: Uncertain significance for Developmental and epileptic encephalopathy, 54. Last evaluated: 2022-03-09. Review status: criteria provided, single submitter. Criteria: Invitae Variant Classification Sherloc (09022015). Collection method: clinical testing. Allele origin: germline.
Comment: This variant has not been reported in the literature in individuals affected with HNRNPU-related conditions. This variant is not present in population databases (gnomAD no frequency). This sequence change replaces arginine, which is basic and polar, with glutamine, which is neutral and polar, at codon 484 of the HNRNPU protein (p.Arg484Gln). In summary, the available evidence is currently insufficient to determine the role of this variant in disease. Therefore, it has been classified as a Variant of Uncertain Significance. Algorithms developed to predict the effect of missense changes on protein structure and function are either unavailable or do not agree on the potential impact of this missense change (SIFT: "Tolerated"; PolyPhen-2: "Not Available"; Align-GVGD: "Class C0"). ClinVar contains an entry for this variant (Variation ID: 1054234).

NM_031844.3(HNRNPU):c.1451G>A (p.Arg484Gln)

Gene: HNRNPU (heterogeneous nuclear ribonucleoprotein U; minus strand). Cytogenetic location: 1q44.
Variant type: single nucleotide variant.
Coding change: c.1451G>A on transcript NM_031844.3 (MANE Select); coding-DNA position 1451, G replaced by A.
Protein change: p.Arg484Gln; replaces arginine 484 with glutamine.
Molecular consequence: missense variant.
Genome position (GRCh38, 1-based): chr1:244,858,054, C>T on the plus strand (G>A on the coding strand, the complement: HNRNPU is on the minus strand). VCF-style: chr1-244858054-C-T. GRCh37 (hg19) VCF-style: chr1-245021356-C-T.
Other names: c.1394G>A, p.Arg465Gln (NM_004501.3); short protein forms R465Q, R484Q.
Identifiers: ClinVar variation 1054234 (VCV001054234.12), dbSNP rs2102986610, ClinGen allele CA345491514.
Genomic context (GRCh38, chr1:244,858,054, plus strand): 5'-AAAAAAAAATCCCTTACTTCACAATCTTTCTTCTCTTCAGGCCCCTTTGGTCCTCTAACT[C>T]GATCCTCTAAGGGGACGTTCTGGATGAAAGTATACTCTTCAGGTATTGGAAAATATGGCT-3'
Protein context (NP_114032.2, residues 474-494): TFIQNVPLED[Arg484Gln]VRGPKGPEEK